The following is an entry in ClinVar:

ClinVar aggregate classification (germline): Likely pathogenic. Review status: criteria provided, multiple submitters, no conflicts (2 of 4 stars). 2 submissions from 2 submitters: Likely pathogenic (2). Last evaluated 2025-12-29.

Conditions:
Hereditary cancer-predisposing syndrome. Also called: Tumor predisposition; Neoplastic Syndromes, Hereditary; Hereditary Cancer Syndrome; Hereditary neoplastic syndrome. Identifiers: Orphanet 140162, MedGen C0027672, MeSH D009386, MONDO:0015356.

Submissions (2):

Ambry Genetics
Classification: Likely pathogenic for Hereditary cancer-predisposing syndrome. Last evaluated: 2025-12-29. Review status: criteria provided, single submitter. Criteria: Ambry Variant Classification Scheme 2023. Collection method: clinical testing. Allele origin: germline.
Comment: The p.W239C variant (also known as c.717G>T), located in coding exon 5 of the STK11 gene, results from a G to T substitution at nucleotide position 717. The tryptophan at codon 239 is replaced by cysteine, an amino acid with highly dissimilar properties. This variant was identified in multiple individuals with a clinical Peutz-Jeghers syndrome diagnosis (Jiang LX et al. World J Gastroenterol, 2023 Jun;29:3302-3317; Schumacher V et al. J Med Genet, 2005 May;42:428-35). This variant is considered to be rare based on population cohorts in the Genome Aggregation Database (gnomAD). This amino acid position is highly conserved in available vertebrate species. In addition, this alteration is predicted to be deleterious by in silico analysis. Based on the majority of available evidence to date, this variant is likely to be pathogenic. This variant was identified amongst 92 Chinese individuals with a clinical Peutz-Jeghers syndrome diagnosis (Jiang LX et al. World J Gastroenterol, 2023 Jun;29:3302-3317). (Schumacher V et al. J Med Genet, 2005 May;42:428-35).

Quest Diagnostics Nichols Institute San Juan Capistrano
Classification: Likely pathogenic. Last evaluated: 2018-09-07. Review status: criteria provided, single submitter. Criteria: Quest Diagnostics criteria. Collection method: clinical testing. Allele origin: germline.
Comment: Not found in the total gnomAD dataset, and the data is high quality (0/269908 chr). Found in at least one symptomatic patient. Predicted to have a damaging effect on the protein. Located in potentially important domain of the protein. Assessment of experimental evidence suggests this variant results in abnormal protein function.

Literature cited by the submitters: PubMed 15863673 (cited by Ambry Genetics); PubMed 37377590 (cited by Ambry Genetics).

NM_000455.5(STK11):c.717G>T (p.Trp239Cys)

Gene: STK11 (serine/threonine kinase 11; plus strand). Cytogenetic location: 19p13.3.
Variant type: single nucleotide variant.
Coding change: c.717G>T on transcript NM_000455.5 (MANE Select); coding-DNA position 717, G replaced by T.
Protein change: p.Trp239Cys; replaces tryptophan 239 with cysteine.
Molecular consequence: missense variant.
Genome position (GRCh38, 1-based): chr19:1,220,700, G>T. VCF-style: chr19-1220700-G-T. GRCh37 (hg19) VCF-style: chr19-1220699-G-T.
Other names: short protein forms W239C.
Identifiers: ClinVar variation 801286 (VCV000801286.3), dbSNP rs137853082, ClinGen allele CA402949935.